The following is an entry in ClinVar:

ClinVar aggregate classification (germline): Benign/Likely benign. Review status: criteria provided, multiple submitters, no conflicts (2 of 4 stars). 3 submissions from 3 submitters: Benign (1); Likely benign (2). Last evaluated 2025-08-29.

Conditions:
Hereditary cancer-predisposing syndrome. Also called: Neoplastic Syndromes, Hereditary; Hereditary neoplastic syndrome; Tumor predisposition; Hereditary Cancer Syndrome. Identifiers: Orphanet 140162, MedGen C0027672, MeSH D009386, MONDO:0015356.
Familial cancer of breast. Also called: BREAST CANCER, FAMILIAL; hereditary breast carcinoma; Hereditary breast cancer. Identifiers: Orphanet 227535, MedGen C0346153, MONDO:0016419, OMIM 114480. Disease mechanism: loss of function.
Ataxia-telangiectasia syndrome (AT). Also called: Cerebello-oculocutaneous telangiectasia; Immunodeficiency with ataxia telangiectasia; ATAXIA-TELANGIECTASIA, FRESNO VARIANT; Ataxia-telangiectasia, complementation group D; Ataxia telangiectasia (A-T); LOUIS-BAR SYNDROME. Identifiers: Orphanet 100, MedGen C0004135, MONDO:0008840, OMIM 208900.

Submissions (3):

Labcorp Genetics (formerly Invitae), Labcorp
Classification: Likely benign for Ataxia-telangiectasia syndrome. Last evaluated: 2025-08-29. Review status: criteria provided, single submitter. Criteria: Invitae Variant Classification Sherloc (09022015). Collection method: clinical testing. Allele origin: germline.

Myriad Genetics, Inc.
Classification: Benign for Familial cancer of breast. Last evaluated: 2024-05-17. Review status: criteria provided, single submitter. Criteria: Myriad Autosomal Dominant, Autosomal Recessive and X-Linked Classification Criteria (2023). Collection method: clinical testing. Allele origin: unknown.
Comment: This variant is considered benign. This variant is a silent/synonymous amino acid change and it is not expected to impact splicing.

Ambry Genetics
Classification: Likely benign for Hereditary cancer-predisposing syndrome. Last evaluated: 2020-03-16. Review status: criteria provided, single submitter. Criteria: Ambry Variant Classification Scheme 2023. Collection method: clinical testing. Allele origin: germline.

NM_000051.4(ATM):c.4330C>T (p.Leu1444=)

Gene: ATM (ATM serine/threonine kinase; plus strand). Cytogenetic location: 11q22.3.
Variant type: single nucleotide variant.
Coding change: c.4330C>T on transcript NM_000051.4 (MANE Select); coding-DNA position 4330, C replaced by T.
Protein change: p.Leu1444=; no amino-acid change (leucine 1444 retained).
Molecular consequence: synonymous variant.
Genome position (GRCh38, 1-based): chr11:108,289,695, C>T. VCF-style: chr11-108289695-C-T. GRCh37 (hg19) VCF-style: chr11-108160422-C-T.
Other names: c.4330C>T, p.Leu1444= (NM_001351834.2).
Identifiers: ClinVar variation 1078178 (VCV001078178.12), dbSNP rs2135762205, ClinGen allele CA476673925.